The following is an entry in ClinVar:

ClinVar aggregate classification (germline): Uncertain significance (1 of 4 stars; one submission).

Conditions:
Cardiovascular phenotype. Identifiers: MedGen CN230736.

Submission:

Ambry Genetics
Classification: Uncertain significance for Cardiovascular phenotype. Last evaluated: 2023-01-25. Review status: criteria provided, single submitter. Criteria: Ambry Variant Classification Scheme 2023. Collection method: clinical testing. Allele origin: germline.
Comment: The c.68793C>T variant (also known as p.Y22931Y), located in coding exon 172 of the TTN gene, results from a C to T substitution at nucleotide position 68793. This nucleotide substitution does not change the tyrosine at codon 22931. This nucleotide position is not well conserved in available vertebrate species. In silico splice site analysis for this alteration is inconclusive. Since supporting evidence is limited at this time, the clinical significance of this alteration remains unclear.

NM_001267550.2(TTN):c.95988C>T (p.Tyr31996=)

Genes: TTN (titin; minus strand), TTN-AS1 (TTN antisense RNA 1; plus strand). Cytogenetic location: 2q31.2.
Variant type: single nucleotide variant.
Coding change: c.95988C>T on transcript NM_001267550.2 (MANE Select); coding-DNA position 95988, C replaced by T.
Protein change: p.Tyr31996=; no amino-acid change (tyrosine 31996 retained).
Molecular consequence: synonymous variant.
Genome position (GRCh38, 1-based): chr2:178,544,241, G>A on the plus strand (C>T on the coding strand, the complement: TTN is on the minus strand). VCF-style: chr2-178544241-G-A. GRCh37 (hg19) VCF-style: chr2-179408968-G-A.
Other names: c.91065C>T, p.Tyr30355= (NM_001256850.1); c.68793C>T, p.Tyr22931= (NM_003319.4); c.88284C>T, p.Tyr29428= (NM_133378.4); c.69168C>T, p.Tyr23056= (NM_133432.3); c.69369C>T, p.Tyr23123= (NM_133437.4).
Identifiers: ClinVar variation 2451905 (VCV002451905.2), dbSNP rs2468963464, ClinGen allele CA430241697.